The following is an entry in ClinVar:

ClinVar aggregate classification (germline): Uncertain significance. Review status: criteria provided, multiple submitters, no conflicts (2 of 4 stars). 2 submissions from 2 submitters: Uncertain significance (2). Last evaluated 2025-05-17.

Conditions:
Long QT syndrome (LQTS). Identifiers: MedGen C0023976, MeSH D008133, MONDO:0002442. Disease mechanism: loss of function. Inheritance: Various modes of inheritance.
Cardiovascular phenotype. Identifiers: MedGen CN230736.

gnomAD v4.1: 5 of 1,613,896 alleles (0.00031%); highest among the groups gnomAD compares: Admixed American, 0.0017%; no homozygotes.

Submissions (2):

Ambry Genetics
Classification: Uncertain significance for Cardiovascular phenotype. Last evaluated: 2025-05-17. Review status: criteria provided, single submitter. Criteria: Ambry Variant Classification Scheme 2023. Collection method: clinical testing. Allele origin: germline.

Labcorp Genetics (formerly Invitae), Labcorp
Classification: Uncertain significance for Long QT syndrome. Last evaluated: 2024-10-29. Review status: criteria provided, single submitter. Criteria: Invitae Variant Classification Sherloc (09022015). Collection method: clinical testing. Allele origin: germline.
Comment: This sequence change replaces proline, which is neutral and non-polar, with serine, which is neutral and polar, at codon 1608 of the ANK2 protein (p.Pro1608Ser). This variant is not present in population databases (gnomAD no frequency). This variant has not been reported in the literature in individuals affected with ANK2-related conditions. An algorithm developed to predict the effect of missense changes on protein structure and function outputs the following: PolyPhen-2: "Benign". The serine amino acid residue is found in multiple mammalian species, which suggests that this missense change does not adversely affect protein function. In summary, the available evidence is currently insufficient to determine the role of this variant in disease. Therefore, it has been classified as a Variant of Uncertain Significance.

NM_001148.6(ANK2):c.4822C>T (p.Pro1608Ser)

Gene: ANK2 (ankyrin 2; plus strand). Cytogenetic location: 4q26.
Variant type: single nucleotide variant.
Coding change: c.4822C>T on transcript NM_001148.6 (MANE Select); coding-DNA position 4822, C replaced by T.
Protein change: p.Pro1608Ser; replaces proline 1608 with serine.
Molecular consequence: missense variant. On other transcripts: intron variant (68).
Genome position (GRCh38, 1-based): chr4:113,353,440, C>T. VCF-style: chr4-113353440-C-T. GRCh37 (hg19) VCF-style: chr4-114274596-C-T.
Other names: c.4291+3191C>T (NM_001386187.2); c.4252+3191C>T (NM_001386147.1); c.4270+3191C>T (NM_001386160.1); c.4375+3191C>T (NM_001354254.2); c.4396+3191C>T (NM_001354239.2, NM_001354252.2); c.4297+3191C>T (NM_001354272.2); c.4360+3191C>T (NM_001354244.2, NM_001354256.2, NM_001386161.1); c.4399+3191C>T (NM_001127493.3); and 35 more; short protein forms P1530S, P1608S, P1647S, P1655S, P408S.
Identifiers: ClinVar variation 3605007 (VCV003605007.3).
Genomic context (GRCh38, chr4:113,353,440, plus strand): 5'-GTTGAAGAGGAATGGGTTATTGTCAGTGATGAGGAAATAGAAGAGGCTAGGCAAAAAGCA[C>T]CTTTAGAAATCACTGAATATCCATGTGTAGAAGTTAGAATAGATAAAGAGATCAAAGGAA-3'
Protein context (NP_001139.3, residues 1598-1618): EEIEEARQKA[Pro1608Ser]LEITEYPCVE